The following is an entry in ClinVar:

NM_002292.4(LAMB2):c.4075A>G (p.Ser1359Gly)

Gene: LAMB2 (laminin subunit beta 2; minus strand). Cytogenetic location: 3p21.31.
Variant type: single nucleotide variant.
Coding change: c.4075A>G on transcript NM_002292.4 (MANE Select); coding-DNA position 4075, A replaced by G.
Protein change: p.Ser1359Gly; replaces serine 1359 with glycine.
Molecular consequence: missense variant.
Genome position (GRCh38, 1-based): chr3:49,123,281, T>C on the plus strand (A>G on the coding strand, the complement: LAMB2 is on the minus strand). VCF-style: chr3-49123281-T-C. GRCh37 (hg19) VCF-style: chr3-49160714-T-C.
Other names: short protein forms S1359G.
Identifiers: ClinVar variation 1511759 (VCV001511759.8), dbSNP rs2107637455, ClinGen allele CA352696744.

ClinVar aggregate classification (germline): Uncertain significance (1 of 4 stars; one submission).

Conditions:
LAMB2-related infantile-onset nephrotic syndrome. Also called: Nephrotic Syndrome, type 5; NEPHROTIC SYNDROME, TYPE 5, WITHOUT OCULAR ABNORMALITIES; NEPHROTIC SYNDROME, TYPE 5, WITH OCULAR ABNORMALITIES. Identifiers: Orphanet 306507, MedGen C3280113, MONDO:0013621, OMIM 614199.
Pierson syndrome. Also called: MICROCORIA-CONGENITAL NEPHROTIC SYNDROME. Identifiers: Orphanet 2670, MedGen C1836876, MONDO:0012184, OMIM 609049.

Submission:

Labcorp Genetics (formerly Invitae), Labcorp
Classification: Uncertain significance for LAMB2-related infantile-onset nephrotic syndrome; Pierson syndrome. Last evaluated: 2021-02-11. Review status: criteria provided, single submitter. Criteria: Invitae Variant Classification Sherloc (09022015). Collection method: clinical testing. Allele origin: germline.
Comment: This variant has not been reported in the literature in individuals with LAMB2-related conditions. This sequence change replaces serine with glycine at codon 1359 of the LAMB2 protein (p.Ser1359Gly). The serine residue is highly conserved and there is a small physicochemical difference between serine and glycine. This variant is not present in population databases (ExAC no frequency). Algorithms developed to predict the effect of missense changes on protein structure and function (SIFT, PolyPhen-2, Align-GVGD) all suggest that this variant is likely to be disruptive, but these predictions have not been confirmed by published functional studies and their clinical significance is uncertain. In summary, the available evidence is currently insufficient to determine the role of this variant in disease. Therefore, it has been classified as a Variant of Uncertain Significance.